The following is an entry in ClinVar:

ClinVar aggregate classification (germline): Uncertain significance. Review status: criteria provided, multiple submitters, no conflicts (2 of 4 stars). 2 submissions from 2 submitters: Uncertain significance (2). Last evaluated 2025-11-20.

Conditions:
Inborn genetic diseases. Identifiers: MedGen C0950123, MeSH D030342.

Allele frequency attached by ClinVar (database versions not stated): gnomAD 0.00001; gnomAD exomes 0.00001; TOPMed 0.00002; ExAC 0.00007; ESP Exome Variant Server 0.00008; 1000 Genomes Project 0.00020; 1000 Genomes Project 30x 0.00031.

Submissions (2):

Ambry Genetics
Classification: Uncertain significance for Inborn genetic diseases. Last evaluated: 2025-11-20. Review status: criteria provided, single submitter. Criteria: Ambry Variant Classification Scheme 2023. Collection method: clinical testing. Allele origin: germline.

Labcorp Genetics (formerly Invitae), Labcorp
Classification: Uncertain significance. Last evaluated: 2023-03-18. Review status: criteria provided, single submitter. Criteria: Invitae Variant Classification Sherloc (09022015). Collection method: clinical testing. Allele origin: germline.
Comment: In summary, the available evidence is currently insufficient to determine the role of this variant in disease. Therefore, it has been classified as a Variant of Uncertain Significance. An algorithm developed to predict the effect of missense changes on protein structure and function (PolyPhen-2) suggests that this variant is likely to be tolerated. This variant has not been reported in the literature in individuals affected with DLL1-related conditions. This variant is present in population databases (rs200887016, gnomAD 0.01%). This sequence change replaces arginine, which is basic and polar, with histidine, which is basic and polar, at codon 502 of the DLL1 protein (p.Arg502His).

NM_005618.4(DLL1):c.1505G>A (p.Arg502His)

Gene: DLL1 (delta like canonical Notch ligand 1; minus strand). Cytogenetic location: 6q27.
Variant type: single nucleotide variant.
Coding change: c.1505G>A on transcript NM_005618.4 (MANE Select); coding-DNA position 1505, G replaced by A.
Protein change: p.Arg502His; replaces arginine 502 with histidine.
Molecular consequence: missense variant.
Genome position (GRCh38, 1-based): chr6:170,283,774, C>T on the plus strand (G>A on the coding strand, the complement: DLL1 is on the minus strand). VCF-style: chr6-170283774-C-T. GRCh37 (hg19) VCF-style: chr6-170592862-C-T.
Other names: c.1505G>A (NM_005618.3); short protein forms R502H.
Identifiers: ClinVar variation 2721608 (VCV002721608.4), dbSNP rs200887016, ClinGen allele CA4106808.